The following is an entry in ClinVar:

ClinVar aggregate classification (germline): Uncertain significance (1 of 4 stars; one submission).

Conditions:
Congenital myasthenic syndrome 8. Also called: Myasthenic syndrome, congenital, 8, with pre- and postsynaptic defects; MYASTHENIC SYNDROME, CONGENITAL, DUE TO AGRIN DEFICIENCY. Identifiers: Orphanet 590, MedGen C3808739, MONDO:0014052, OMIM 615120.

Allele frequency attached by ClinVar (database versions not stated): gnomAD below 0.00001 and 0.00003; gnomAD exomes 0.00007; ExAC 0.00008.
gnomAD v4.1: 62 of 1,613,476 alleles (0.0038%); highest among the groups gnomAD compares: South Asian, 0.065%; 2 homozygotes.

Submission:

Labcorp Genetics (formerly Invitae), Labcorp
Classification: Uncertain significance for Congenital myasthenic syndrome 8. Last evaluated: 2025-10-24. Review status: criteria provided, single submitter. Criteria: Invitae Variant Classification Sherloc (09022015). Collection method: clinical testing. Allele origin: germline.
Comment: This sequence change replaces serine, which is neutral and polar, with asparagine, which is neutral and polar, at codon 965 of the AGRN protein (p.Ser965Asn). This variant is present in population databases (rs779593673, gnomAD 0.06%). This variant has not been reported in the literature in individuals affected with AGRN-related conditions. ClinVar contains an entry for this variant (Variation ID: 1001020). An algorithm developed to predict the effect of missense changes on protein structure and function outputs the following: PolyPhen-2: "Possibly Damaging". The asparagine amino acid residue is found in multiple mammalian species, which suggests that this missense change does not adversely affect protein function. In summary, the available evidence is currently insufficient to determine the role of this variant in disease. Therefore, it has been classified as a Variant of Uncertain Significance.

NM_198576.4(AGRN):c.2894G>A (p.Ser965Asn)

Gene: AGRN (agrin; plus strand). Cytogenetic location: 1p36.33.
Variant type: single nucleotide variant.
Coding change: c.2894G>A on transcript NM_198576.4 (MANE Select); coding-DNA position 2894, G replaced by A.
Protein change: p.Ser965Asn; replaces serine 965 with asparagine.
Molecular consequence: missense variant.
Genome position (GRCh38, 1-based): chr1:1,046,248, G>A. VCF-style: chr1-1046248-G-A. GRCh37 (hg19) VCF-style: chr1-981628-G-A.
Other names: c.2894G>A, p.Ser965Asn (NM_001305275.2); c.2579G>A, p.Ser860Asn (NM_001364727.2); short protein forms S860N, S965N.
Identifiers: ClinVar variation 1001020 (VCV001001020.8), dbSNP rs779593673, ClinGen allele CA508848.